The following is an entry in ClinVar:

ClinVar aggregate classification (germline): Likely pathogenic (1 of 4 stars; one submission).

Conditions:
Cornelia de Lange syndrome 1 (CDLS1). Also called: Brachmann de Lange syndrome; TYPUS DEGENERATIVUS AMSTELODAMENSIS; NIPBL-Related Cornelia de Lange Syndrome. Identifiers: Orphanet 199, MedGen C4551851, MONDO:0007387, OMIM 122470.

Submission:

Labcorp Genetics (formerly Invitae), Labcorp
Classification: Likely pathogenic for Cornelia de Lange syndrome 1. Last evaluated: 2017-10-27. Review status: criteria provided, single submitter. Criteria: Invitae Variant Classification Sherloc (09022015). Collection method: clinical testing. Allele origin: germline.
Comment: This sequence change replaces lysine with arginine at codon 2611 of the NIPBL protein (p.Lys2611Arg). The lysine residue is highly conserved and there is a small physicochemical difference between lysine and arginine. This variant is not present in population databases (ExAC no frequency). This variant has not been reported in the literature in individuals with NIPBL-related disease. Algorithms developed to predict the effect of missense changes on protein structure and function do not agree on the potential impact of this missense change (SIFT: "Tolerated"; PolyPhen-2: "Possibly Damaging"; Align-GVGD: "Class C0"). Algorithms developed to predict the effect of sequence changes on RNA splicing suggest that this variant may create or strengthen a splice site, but this prediction has not been confirmed by published transcriptional studies. In summary, the currently available evidence indicates that the variant is pathogenic, but additional data are needed to prove that conclusively. Therefore, this variant has been classified as Likely Pathogenic.

NM_133433.4(NIPBL):c.7832A>G (p.Lys2611Arg)

Gene: NIPBL (NIPBL cohesin loading factor; plus strand). Cytogenetic location: 5p13.2.
Variant type: single nucleotide variant.
Coding change: c.7832A>G on transcript NM_133433.4 (MANE Select); coding-DNA position 7832, A replaced by G.
Protein change: p.Lys2611Arg; replaces lysine 2611 with arginine.
Molecular consequence: missense variant.
Genome position (GRCh38, 1-based): chr5:37,060,990, A>G. VCF-style: chr5-37060990-A-G. GRCh37 (hg19) VCF-style: chr5-37061092-A-G.
Other names: c.7832A>G, p.Lys2611Arg (NM_015384.5); short protein forms K2611R.
Identifiers: ClinVar variation 476597 (VCV000476597.8), dbSNP rs1554035311, ClinGen allele CA359519160.